The following is an entry in ClinVar:

NM_001004334.4(GPR179):c.2650C>T (p.Arg884Trp)

Gene: GPR179 (G protein-coupled receptor 179; minus strand). Cytogenetic location: 17q12.
Variant type: single nucleotide variant.
Coding change: c.2650C>T on transcript NM_001004334.4 (MANE Select); coding-DNA position 2650, C replaced by T.
Protein change: p.Arg884Trp; replaces arginine 884 with tryptophan.
Molecular consequence: missense variant.
Genome position (GRCh38, 1-based): chr17:38,330,919, G>A on the plus strand (C>T on the coding strand, the complement: GPR179 is on the minus strand). VCF-style: chr17-38330919-G-A. GRCh37 (hg19) VCF-style: chr17-36486802-G-A.
Other names: short protein forms R884W.
Identifiers: ClinVar variation 323008 (VCV000323008.18), dbSNP rs72832277, ClinGen allele CA10650033.
Genomic context (GRCh38, chr17:38,330,919, plus strand): 5'-AAGGTGGAGCTGACAGGGGGGCCCCTCGAGGCCGCTCCAGCCTCCTGGCTGATGGCCTCC[G>A]CACCAGGCTGGCCATGGCTGCCTTGGCCTTCTTCCGCTCCTCCCGCTCCTTTGCTTGCCG-3'
Protein context (NP_001004334.3, residues 874-894): KAKAAMASLV[Arg884Trp]RPSARRLERP

ClinVar aggregate classification (germline): Benign. Review status: criteria provided, multiple submitters, no conflicts (2 of 4 stars). 4 submissions from 4 submitters: Benign (4). Last evaluated 2026-02-03.

Conditions:
Congenital stationary night blindness 1E. Also called: Night blindness, congenital stationary (complete), 1E, autosomal recessive. Identifiers: Orphanet 215, MedGen C3281215, MONDO:0013807, OMIM 614565.

Allele frequency attached by ClinVar (database versions not stated): 1000 Genomes Project 0.03355; 1000 Genomes Project 30x 0.03560; gnomAD exomes 0.03992 and 0.04535; gnomAD 0.04022 and 0.04068; ESP Exome Variant Server 0.04046; TOPMed 0.04511; ExAC 0.05047.

Submissions (4):

Labcorp Genetics (formerly Invitae), Labcorp
Classification: Benign. Last evaluated: 2026-02-03. Review status: criteria provided, single submitter. Criteria: Invitae Variant Classification Sherloc (09022015). Collection method: clinical testing. Allele origin: germline.

GeneDx
Classification: Benign. Last evaluated: 2021-05-04. Review status: criteria provided, single submitter. Criteria: GeneDx Variant Classification Process June 2021. Collection method: clinical testing. Allele origin: germline. Affected: yes.

Illumina Laboratory Services, Illumina
Classification: Benign for Congenital stationary night blindness 1E. Last evaluated: 2018-01-12. Review status: criteria provided, single submitter. Criteria: ICSL Variant Classification Criteria 13 December 2019. Collection method: clinical testing. Allele origin: germline.
Comment: This variant was observed in the ICSL laboratory as part of a predisposition screen in an ostensibly healthy population. It had not been previously curated by ICSL or reported in the Human Gene Mutation Database (HGMD: prior to June 1st, 2018), and was therefore a candidate for classification through an automated scoring system. Utilizing variant allele frequency, disease prevalence and penetrance estimates, and inheritance mode, an automated score was calculated to assess if this variant is too frequent to cause the disease. Based on the score and internal cut-off values, a variant classified as benign is not then subjected to further curation. The score for this variant resulted in a classification of benign for this disease.

Breakthrough Genomics
Classification: Benign. Review status: criteria provided, single submitter. Criteria: ACMG Guidelines, 2015. Collection method: not provided. Allele origin: germline. Inheritance: Autosomal recessive inheritance. Affected: yes.